The following is an entry in ClinVar:

ClinVar aggregate classification (germline): Uncertain significance (1 of 4 stars; one submission).

Conditions:
Jeune thoracic dystrophy. Also called: Jeune syndrome; Infantile thoracic dystrophy; Thoracic pelvic phalangeal dystrophy; Jeune's syndrome; Chondroectodermal dysplasia-like syndrome; Short-rib thoracic dysplasia. Identifiers: Orphanet 474, MedGen C0265275, MONDO:0018770.

Allele frequency attached by ClinVar (database versions not stated): gnomAD exomes below 0.00001; TOPMed below 0.00001.
gnomAD v4.1: 3 of 1,611,320 alleles (0.00019%); highest among the groups gnomAD compares: Non-Finnish European, 0.00025%; no homozygotes.

Submission:

Labcorp Genetics (formerly Invitae), Labcorp
Classification: Uncertain significance for Jeune thoracic dystrophy. Last evaluated: 2022-02-20. Review status: criteria provided, single submitter. Criteria: Invitae Variant Classification Sherloc (09022015). Collection method: clinical testing. Allele origin: germline.
Comment: This sequence change replaces isoleucine, which is neutral and non-polar, with valine, which is neutral and non-polar, at codon 665 of the IFT80 protein (p.Ile665Val). This variant is not present in population databases (gnomAD no frequency). This variant has not been reported in the literature in individuals affected with IFT80-related conditions. Algorithms developed to predict the effect of missense changes on protein structure and function output the following: SIFT: "Tolerated"; PolyPhen-2: "Benign"; Align-GVGD: "Class C0". The valine amino acid residue is found in multiple mammalian species, which suggests that this missense change does not adversely affect protein function. In summary, the available evidence is currently insufficient to determine the role of this variant in disease. Therefore, it has been classified as a Variant of Uncertain Significance.

NM_020800.3(IFT80):c.1993A>G (p.Ile665Val)

Genes: TRIM59-IFT80 (TRIM59-IFT80 readthrough (NMD candidate); minus strand), IFT80 (intraflagellar transport 80; minus strand). Cytogenetic location: 3q25.33.
Variant type: single nucleotide variant.
Coding change: c.1993A>G on transcript NM_020800.3 (MANE Select); coding-DNA position 1993, A replaced by G.
Protein change: p.Ile665Val; replaces isoleucine 665 with valine.
Molecular consequence: missense variant. On other transcripts: non-coding transcript variant (3).
Genome position (GRCh38, 1-based): chr3:160,277,412, T>C on the plus strand (A>G on the coding strand, the complement: IFT80 is on the minus strand). VCF-style: chr3-160277412-T-C. GRCh37 (hg19) VCF-style: chr3-159995200-T-C.
Other names: c.1582A>G, p.Ile528Val (NM_001190241.2, NM_001190242.2); short protein forms I528V, I665V.
Identifiers: ClinVar variation 1940059 (VCV001940059.2), dbSNP rs886058130, ClinGen allele CA355190347.